The following is an entry in ClinVar:

ClinVar aggregate classification (germline): Conflicting classifications of pathogenicity. Review status: criteria provided, conflicting classifications (1 of 4 stars). 5 submissions from 5 submitters: Pathogenic (2); Likely pathogenic (2); Uncertain significance (1). Last evaluated 2025-06-15.

Conditions:
Amyotrophic lateral sclerosis type 1 (ALS1). Also called: AMYOTROPHIC LATERAL SCLEROSIS 1, FAMILIAL. Identifiers: Orphanet 803, MedGen C1862939, MONDO:0007103, OMIM 105400.
SOD1-related disorder. Also called: SOD1-related condition.

Submissions (5):

Variantyx, Inc.
Classification: Pathogenic for Amyotrophic lateral sclerosis type 1. Last evaluated: 2025-06-15. Review status: criteria provided, single submitter. Criteria: Variantyx Assertion Criteria 2022. Collection method: clinical testing. Allele origin: de novo. Inheritance: Autosomal dominant inheritance. Affected: yes.
Comment: This is a nonsynonymous variant in the SOD1 gene (OMIM: 147450). Pathogenic variants in this gene have been associated with autosomal dominant amyotrophic lateral sclerosis 1. This variant has been reported in at least 3 unrelated affected individuals (PMID: 32579787, 22595972) (PS4_Moderate) and likely occurred de novo in individuals reported in the published literature; however, the possibility of parental germline mosaicism cannot be excluded (PMID: 34602496) (PS2_Supporting). Computational algorithms produce conflicting evidence regarding the predicted functional impact of this variant (REVEL score: 0.517), but functional studies have shown that this variant alters SOD1 protein function (PMID: 23280792, 36376198) (PS3). Moreover, the variant lies within a known hotspot for pathogenic variants or a well-established critical functional domain of the SOD1 protein (PM1). This variant is absent from control populations (PM2). Based on the current evidence, this variant is classified as pathogenic for autosomal dominant amyotrophic lateral sclerosis 1.

PreventionGenetics, part of Exact Sciences
Classification: Likely pathogenic for SOD1-related condition. Last evaluated: 2025-05-30. Review status: criteria provided, single submitter. Criteria: ACMG Guidelines, 2015. Collection method: clinical testing. Allele origin: germline.
Comment: The SOD1 c.352C>G variant is predicted to result in the amino acid substitution p.Leu118Val. This variant has been reported in multiple unrelated individuals with amyotrophic lateral sclerosis (ALS, Synofzik et al. 2012. PubMed ID: 22595972; Tunca et al. 2020. PubMed ID: 32579787; Megarbane et al. 2022. PubMed ID: 34602496; Chen et al. 2022. PubMed ID: 36376198). Functional studies demonstrated that this variant results in altered protein conformation via exposure of the Derlin-1-binding region resulting in diminished protein expression compared to wild-type (Fujisawa et al. 2012. PubMed ID: 23280792; Chen et al. 2022. PubMed ID: 36376198). This variant has not been reported in a large population database (gnomAD), indicating this variant is rare. This variant is interpreted as likely pathogenic.

Labcorp Genetics (formerly Invitae), Labcorp
Classification: Pathogenic for Amyotrophic lateral sclerosis type 1. Last evaluated: 2024-08-31. Review status: criteria provided, single submitter. Criteria: Invitae Variant Classification Sherloc (09022015). Collection method: clinical testing. Allele origin: germline.
Comment: This sequence change replaces leucine, which is neutral and non-polar, with valine, which is neutral and non-polar, at codon 118 of the SOD1 protein (p.Leu118Val). This variant is not present in population databases (gnomAD no frequency). This missense change has been observed in individuals with amyotrophic lateral sclerosis (PMID: 22595972, 32579787). It has also been observed to segregate with disease in related individuals. This variant is also known as c.352C>G (L117V). ClinVar contains an entry for this variant (Variation ID: 809280). Invitae Evidence Modeling of protein sequence and biophysical properties (such as structural, functional, and spatial information, amino acid conservation, physicochemical variation, residue mobility, and thermodynamic stability) indicates that this missense variant is not expected to disrupt SOD1 protein function with a negative predictive value of 95%. Experimental studies have shown that this missense change affects SOD1 function (PMID: 23280792). For these reasons, this variant has been classified as Pathogenic.

Suna and Inan Kirac Foundation Neurodegeneration Research Laboratory, Koc University
Classification: Likely pathogenic for Amyotrophic lateral sclerosis type 1. Last evaluated: 2020-03-31. Review status: criteria provided, single submitter. Criteria: ACMG Guidelines, 2015. Collection method: research. Allele origin: germline. Affected: yes. Observed: 8 variant alleles.

CeGaT Center for Human Genetics Tuebingen
Classification: Uncertain significance. Last evaluated: 2017-01-01. Review status: criteria provided, single submitter. Criteria: CeGaT Center For Human Genetics Tuebingen Variant Classification Criteria Version 2. Collection method: clinical testing. Allele origin: germline. Affected: yes. Observed: 1 variant allele.

Literature cited by the submitters: PubMed 32579787 (cited by Variantyx, Inc. and Labcorp Genetics (formerly Invitae), Labcorp); PubMed 22595972 (cited by Variantyx, Inc. and Labcorp Genetics (formerly Invitae), Labcorp); PubMed 23280792 (cited by Variantyx, Inc. and Labcorp Genetics (formerly Invitae), Labcorp); PubMed 36376198 (cited by Variantyx, Inc.); PubMed 34602496 (cited by Variantyx, Inc.).

NM_000454.5(SOD1):c.352C>G (p.Leu118Val)

Gene: SOD1 (superoxide dismutase 1; plus strand). Cytogenetic location: 21q22.11.
Variant type: single nucleotide variant.
Coding change: c.352C>G on transcript NM_000454.5 (MANE Select); coding-DNA position 352, C replaced by G.
Protein change: p.Leu118Val; replaces leucine 118 with valine.
Molecular consequence: missense variant.
Genome position (GRCh38, 1-based): chr21:31,667,370, C>G. VCF-style: chr21-31667370-C-G. GRCh37 (hg19) VCF-style: chr21-33039683-C-G.
Other names: short protein forms L118V.
Identifiers: ClinVar variation 809280 (VCV000809280.50), dbSNP rs199474723, ClinGen allele CA319334673.